The following is an entry in ClinVar:

NM_000812.4(GABRB1):c.1064A>G (p.Glu355Gly)

Gene: GABRB1 (gamma-aminobutyric acid type A receptor subunit beta1; plus strand). Cytogenetic location: 4p12.
Variant type: single nucleotide variant.
Coding change: c.1064A>G on transcript NM_000812.4 (MANE Select); coding-DNA position 1064, A replaced by G.
Protein change: p.Glu355Gly; replaces glutamic acid 355 with glycine.
Molecular consequence: missense variant.
Genome position (GRCh38, 1-based): chr4:47,406,910, A>G. VCF-style: chr4-47406910-A-G. GRCh37 (hg19) VCF-style: chr4-47408927-A-G.
Other names: c.1064A>G (NM_000812.3); short protein forms E355G.
Identifiers: ClinVar variation 1363177 (VCV001363177.6), dbSNP rs769038641, ClinGen allele CA2907729.
Genomic context (GRCh38, chr4:47,406,910, plus strand): 5'-GCCCTCAGAAAAAGGGAGCTAGCAAACAAGACCAGAGTGCCAATGAGAAGAATAAACTGG[A>G]GATGAATAAAGTCCAGGTAAGATATTAAATATTCCTAACAATATTCTTGTTAAATTTATC-3'
Protein context (NP_000803.2, residues 345-365): DQSANEKNKL[Glu355Gly]MNKVQVDAHG

ClinVar aggregate classification (germline): Uncertain significance. Review status: criteria provided, multiple submitters, no conflicts (2 of 4 stars). 2 submissions from 2 submitters: Uncertain significance (2). Last evaluated 2025-08-29.

Allele frequency attached by ClinVar (database versions not stated): gnomAD exomes 0.00001; ExAC 0.00002; gnomAD 0.00002; TOPMed 0.00003.
gnomAD v4.1: 23 of 1,613,790 alleles (0.0014%); highest among the groups gnomAD compares: Non-Finnish European, 0.0018%; no homozygotes.

Submissions (2):

Ambry Genetics
Classification: Uncertain significance. Last evaluated: 2025-08-29. Review status: criteria provided, single submitter. Criteria: Ambry Variant Classification Scheme 2023. Collection method: clinical testing. Allele origin: germline.

Labcorp Genetics (formerly Invitae), Labcorp
Classification: Uncertain significance. Last evaluated: 2021-08-28. Review status: criteria provided, single submitter. Criteria: Invitae Variant Classification Sherloc (09022015). Collection method: clinical testing. Allele origin: germline.
Comment: This sequence change replaces glutamic acid with glycine at codon 355 of the GABRB1 protein (p.Glu355Gly). The glutamic acid residue is highly conserved and there is a moderate physicochemical difference between glutamic acid and glycine. This variant is present in population databases (rs769038641, ExAC 0.003%). This missense change has been observed in individual(s) with clinical features of GABRB1-related conditions (Invitae). Advanced modeling of protein sequence and biophysical properties (such as structural, functional, and spatial information, amino acid conservation, physicochemical variation, residue mobility, and thermodynamic stability) performed at Invitae indicates that this missense variant is not expected to disrupt GABRB1 protein function. In summary, the available evidence is currently insufficient to determine the role of this variant in disease. Therefore, it has been classified as a Variant of Uncertain Significance.